The following is an entry in ClinVar:

NM_001004127.3(ALG11):c.791A>G (p.His264Arg)

Gene: ALG11 (ALG11 alpha-1,2-mannosyltransferase; plus strand). Cytogenetic location: 13q14.3.
Variant type: single nucleotide variant.
Coding change: c.791A>G on transcript NM_001004127.3 (MANE Select); coding-DNA position 791, A replaced by G.
Protein change: p.His264Arg; replaces histidine 264 with arginine.
Molecular consequence: missense variant.
Genome position (GRCh38, 1-based): chr13:52,024,521, A>G. VCF-style: chr13-52024521-A-G. GRCh37 (hg19) VCF-style: chr13-52598657-A-G.
Other names: short protein forms H264R.
Identifiers: ClinVar variation 4980255 (VCV004980255.1).

ClinVar aggregate classification (germline): Uncertain significance (1 of 4 stars; one submission).

Conditions:
ALG11-related disorder. Also called: ALG11-related condition.

gnomAD v4.1: 27 of 1,614,170 alleles (0.0017%); highest among the groups gnomAD compares: Middle Eastern, 0.033%; no homozygotes.

Submission:

PreventionGenetics, part of Exact Sciences
Classification: Uncertain significance for ALG11-related condition. Last evaluated: 2025-05-30. Review status: criteria provided, single submitter. Criteria: ACMG Guidelines, 2015. Collection method: clinical testing. Allele origin: germline.
Comment: The ALG11 c.791A>G variant is predicted to result in the amino acid substitution p.His264Arg. To our knowledge, this variant has not been reported in the literature. This variant is reported in 0.014% of alleles in individuals of Latino descent in gnomAD. At this time, the clinical significance of this variant is uncertain due to the absence of conclusive functional and genetic evidence.